The following is an entry in ClinVar:

ClinVar aggregate classification (germline): Uncertain significance (1 of 4 stars; one submission).

Conditions:
Hereditary cancer-predisposing syndrome. Also called: Hereditary Cancer Syndrome; Tumor predisposition; Hereditary neoplastic syndrome; Neoplastic Syndromes, Hereditary. Identifiers: Orphanet 140162, MedGen C0027672, MeSH D009386, MONDO:0015356.

Submission:

Ambry Genetics
Classification: Uncertain significance for Hereditary cancer-predisposing syndrome. Last evaluated: 2024-04-05. Review status: criteria provided, single submitter. Criteria: Ambry Variant Classification Scheme 2023. Collection method: clinical testing. Allele origin: germline.
Comment: The p.L159F variant (also known as c.475C>T), located in coding exon 6 of the BRCA1 gene, results from a C to T substitution at nucleotide position 475. The leucine at codon 159 is replaced by phenylalanine, an amino acid with highly similar properties. This amino acid position is not well conserved in available vertebrate species. In addition, the in silico prediction for this alteration is inconclusive. Based on the available evidence, the clinical significance of this variant remains unclear.

NM_007294.4(BRCA1):c.475C>T (p.Leu159Phe)

Gene: BRCA1 (BRCA1 DNA repair associated; minus strand). Cytogenetic location: 17q21.31.
Variant type: single nucleotide variant.
Coding change: c.475C>T on transcript NM_007294.4 (MANE Select); coding-DNA position 475, C replaced by T.
Protein change: p.Leu159Phe; replaces leucine 159 with phenylalanine.
Molecular consequence: missense variant. On other transcripts: intron variant (2).
Genome position (GRCh38, 1-based): chr17:43,099,847, G>A on the plus strand (C>T on the coding strand, the complement: BRCA1 is on the minus strand). VCF-style: chr17-43099847-G-A. GRCh37 (hg19) VCF-style: chr17-41251864-G-A.
Other names: c.472C>T, p.Leu158Phe (NM_001407986.1, NM_001407984.1, NM_001407985.1 and 65 more transcripts); c.475C>T, p.Leu159Phe (NM_001407990.1, NM_001407974.1, NM_001407975.1 and 96 more transcripts); c.262C>T, p.Leu88Phe (NM_001407571.1, NM_001407853.1, NM_001407894.1 and 18 more transcripts); c.466C>T, p.Leu156Phe (NM_001407646.1, NM_001407647.1, NM_001408408.1); c.397C>T, p.Leu133Phe (NM_001407653.1, NM_001407654.1, NM_001407655.1 and 12 more transcripts); c.394C>T, p.Leu132Phe (NM_001407659.1, NM_001407660.1, NM_001407661.1 and 6 more transcripts); c.334C>T, p.Leu112Phe (NM_001407692.1, NM_001407694.1, NM_001407695.1 and 61 more transcripts); c.331C>T, p.Leu111Phe (NM_001407740.1, NM_001407741.1, NM_001407742.1 and 35 more transcripts); and 5 more; short protein forms L112F, L114F, L132F, L158F, L32F, L159F, L31F, L89F.
Identifiers: ClinVar variation 3261452 (VCV003261452.1).